The following is an entry in ClinVar:

NM_001128431.4(SLC39A14):c.751-14del

Gene: SLC39A14 (solute carrier family 39 member 14; plus strand). Cytogenetic location: 8p21.3.
Variant type: Deletion.
Coding change: c.751-14del on transcript NM_001128431.4 (MANE Select); 14 bases into the intron before coding-DNA position 751, one base deleted (T; older notation c.751-14delT).
Molecular consequence: intron variant.
Genome position (GRCh38, 1-based): chr8:22,415,755, T deleted. VCF-style (leftmost placement, unchanged base first): chr8-22415754-CT-C. GRCh37 (hg19) VCF-style: chr8-22273267-CT-C.
Other names: c.751-14del (NM_001135154.3, NM_001351656.2, NM_001351655.2 and 3 more transcripts); c.781-14del (NM_001351657.2, NM_001351658.2, NM_001351659.2); c.751-14delT (NM_015359.6).
Identifiers: ClinVar variation 3339614 (VCV003339614.1).

ClinVar aggregate classification (germline): Likely benign (1 of 4 stars; one submission).

Submission:

Women's Health and Genetics/Laboratory Corporation of America, LabCorp
Classification: Likely benign. Last evaluated: 2024-06-26. Review status: criteria provided, single submitter. Criteria: LabCorp Variant Classification Summary - May 2015. Collection method: clinical testing. Allele origin: germline.
Comment: Variant summary: SLC39A14 c.751-14delT alters a nucleotide located at a position not widely known to affect splicing. Consensus agreement among computation tools predict no significant impact on normal splicing. However, these predictions have yet to be confirmed by functional studies. The frequency data for this variant in gnomAD is considered unreliable, as metrics indicate poor data quality at this position. To our knowledge, no occurrence of c.751-14delT in individuals affected with Hypermanganesemia With Dystonia 2 and no experimental evidence demonstrating its impact on protein function have been reported. No submitters have cited clinical-significance assessments for this variant to ClinVar. Based on the evidence outlined above, the variant was classified as likely benign.